The following is an entry in ClinVar:

ClinVar aggregate classification (germline): Uncertain significance (1 of 4 stars; one submission).

Conditions:
Primary ciliary dyskinesia. Also called: Ciliary dyskinesia. Identifiers: Orphanet 244, MedGen C0008780, MONDO:0016575, HP:0012265.

Submission:

Labcorp Genetics (formerly Invitae), Labcorp
Classification: Uncertain significance for Primary ciliary dyskinesia. Last evaluated: 2025-05-14. Review status: criteria provided, single submitter. Criteria: Invitae Variant Classification Sherloc (09022015). Collection method: clinical testing. Allele origin: germline.
Comment: This sequence change replaces alanine, which is neutral and non-polar, with aspartic acid, which is acidic and polar, at codon 4301 of the DNAH8 protein (p.Ala4301Asp). This variant is present in population databases (rs770597133, gnomAD 0.006%). This variant has not been reported in the literature in individuals affected with DNAH8-related conditions. Invitae Evidence Modeling of protein sequence and biophysical properties (such as structural, functional, and spatial information, amino acid conservation, physicochemical variation, residue mobility, and thermodynamic stability) indicates that this missense variant is not expected to disrupt DNAH8 protein function with a negative predictive value of 80%. In summary, the available evidence is currently insufficient to determine the role of this variant in disease. Therefore, it has been classified as a Variant of Uncertain Significance.

NM_001206927.2(DNAH8):c.12902C>A (p.Ala4301Asp)

Gene: DNAH8 (dynein axonemal heavy chain 8; plus strand). Cytogenetic location: 6p21.2.
Variant type: single nucleotide variant.
Coding change: c.12902C>A on transcript NM_001206927.2 (MANE Select); coding-DNA position 12902, C replaced by A.
Protein change: p.Ala4301Asp; replaces alanine 4301 with aspartic acid.
Molecular consequence: missense variant.
Genome position (GRCh38, 1-based): chr6:38,982,413, C>A. VCF-style: chr6-38982413-C-A. GRCh37 (hg19) VCF-style: chr6-38950189-C-A.
Other names: c.12251C>A, p.Ala4084Asp (NM_001371.4); short protein forms A4084D, A4301D.
Identifiers: ClinVar variation 4768549 (VCV004768549.1).
Genomic context (GRCh38, chr6:38,982,413, plus strand): 5'-GAAAATTTGGCCCCTTAGGATGGAATATTCCCTACGAATTCAATTCTGCTGACTTTTCAG[C>A]CAGTGTTCAGTTTATTCAGAATCACCTTGATGAATGCGATATTAAGAAAGTGAGTGAAAT-3'
Protein context (NP_001193856.1, residues 4291-4311): PYEFNSADFS[Ala4301Asp]SVQFIQNHLD